The following is an entry in ClinVar:

ClinVar aggregate classification (germline): Uncertain significance. Review status: criteria provided, multiple submitters, no conflicts (2 of 4 stars). 2 submissions from 2 submitters: Uncertain significance (2). Last evaluated 2025-12-22.

Allele frequency attached by ClinVar (database versions not stated): gnomAD 0.00011; TOPMed 0.00013; ESP Exome Variant Server 0.00015.

Submissions (2):

Labcorp Genetics (formerly Invitae), Labcorp
Classification: Uncertain significance. Last evaluated: 2025-12-22. Review status: criteria provided, single submitter. Criteria: Invitae Variant Classification Sherloc (09022015). Collection method: clinical testing. Allele origin: germline.
Comment: This sequence change replaces glycine, which is neutral and non-polar, with arginine, which is basic and polar, at codon 174 of the KLHDC8B protein (p.Gly174Arg). This variant is present in population databases (rs200254776, gnomAD 0.02%). This variant has not been reported in the literature in individuals affected with KLHDC8B-related conditions. ClinVar contains an entry for this variant (Variation ID: 2157452). An algorithm developed to predict the effect of missense changes on protein structure and function (PolyPhen-2) suggests that this variant is likely to be disruptive. In summary, the available evidence is currently insufficient to determine the role of this variant in disease. Therefore, it has been classified as a Variant of Uncertain Significance.

Ambry Genetics
Classification: Uncertain significance. Last evaluated: 2023-08-08. Review status: criteria provided, single submitter. Criteria: Ambry Variant Classification Scheme 2023. Collection method: clinical testing. Allele origin: germline.

NM_173546.3(KLHDC8B):c.520G>A (p.Gly174Arg)

Gene: KLHDC8B (kelch domain containing 8B; plus strand). Cytogenetic location: 3p21.31.
Variant type: single nucleotide variant.
Coding change: c.520G>A on transcript NM_173546.3 (MANE Select); coding-DNA position 520, G replaced by A.
Protein change: p.Gly174Arg; replaces glycine 174 with arginine.
Molecular consequence: missense variant.
Genome position (GRCh38, 1-based): chr3:49,174,382, G>A. VCF-style: chr3-49174382-G-A. GRCh37 (hg19) VCF-style: chr3-49211815-G-A.
Other names: c.520G>A (NM_173546.2); short protein forms G174R.
Identifiers: ClinVar variation 2157452 (VCV002157452.6), dbSNP rs200254776, ClinGen allele CA2395509.